The following is an entry in ClinVar:

NM_014845.6(FIG4):c.783del (p.Ile262fs)

Gene: FIG4 (FIG4 phosphoinositide 5-phosphatase; plus strand). Cytogenetic location: 6q21.
Variant type: Deletion.
Coding change: c.783del on transcript NM_014845.6 (MANE Select); coding-DNA position 783, one base deleted (G; older notation c.783delG).
Protein change: p.Ile262fs; shifts the reading frame from isoleucine 262.
Molecular consequence: frameshift variant.
Genome position (GRCh38, 1-based): chr6:109,741,451, G deleted. VCF-style (leftmost placement, unchanged base first): chr6-109741450-TG-T. GRCh37 (hg19) VCF-style: chr6-110062653-TG-T.
Other names: short protein forms I262fs.
Identifiers: ClinVar variation 1075927 (VCV001075927.7), dbSNP rs1161553940, ClinGen allele CA817089849.

ClinVar aggregate classification (germline): Pathogenic (1 of 4 stars; one submission).

Conditions:
Charcot-Marie-Tooth disease type 4. Also called: Charcot-Marie-Tooth, Type 4; Charcot-Marie-Tooth disease, type IV. Identifiers: Orphanet 64749, MedGen C4082197, MONDO:0018995.

Allele frequency attached by ClinVar (database versions not stated): gnomAD exomes below 0.00001; gnomAD 0.00001; TOPMed 0.00001.

Submission:

Labcorp Genetics (formerly Invitae), Labcorp
Classification: Pathogenic for Charcot-Marie-Tooth disease type 4. Last evaluated: 2020-08-23. Review status: criteria provided, single submitter. Criteria: Invitae Variant Classification Sherloc (09022015). Collection method: clinical testing. Allele origin: germline.
Comment: This variant is not present in population databases (ExAC no frequency). For these reasons, this variant has been classified as Pathogenic. Loss-of-function variants in FIG4 are known to be pathogenic (PMID: 23623387). This variant has not been reported in the literature in individuals with FIG4-related conditions. This sequence change creates a premature translational stop signal (p.Ile262Serfs*10) in the FIG4 gene. It is expected to result in an absent or disrupted protein product.

Literature cited by the submitters: PubMed 23623387.